The following is an entry in ClinVar:

NM_003906.5(MCM3AP):c.3849A>G (p.Ala1283=)

Gene: MCM3AP (minichromosome maintenance complex component 3 associated protein; minus strand). Cytogenetic location: 21q22.3.
Variant type: single nucleotide variant.
Coding change: c.3849A>G on transcript NM_003906.5 (MANE Select); coding-DNA position 3849, A replaced by G.
Protein change: p.Ala1283=; no amino-acid change (alanine 1283 retained).
Molecular consequence: synonymous variant.
Genome position (GRCh38, 1-based): chr21:46,256,872, T>C on the plus strand (A>G on the coding strand, the complement: MCM3AP is on the minus strand). VCF-style: chr21-46256872-T-C. GRCh37 (hg19) VCF-style: chr21-47676786-T-C.
Identifiers: ClinVar variation 1547717 (VCV001547717.38), dbSNP rs745596334, ClinGen allele CA10076346.

ClinVar aggregate classification (germline): Likely benign. Review status: criteria provided, multiple submitters, no conflicts (2 of 4 stars). 3 submissions from 3 submitters: Likely benign (3). Last evaluated 2026-05-18.

Allele frequency attached by ClinVar (database versions not stated): gnomAD 0.00003; gnomAD exomes 0.00003 and 0.00006; TOPMed 0.00005; ExAC 0.00008.
gnomAD v4.1: 90 of 1,591,328 alleles (0.0057%); highest among the groups gnomAD compares: Non-Finnish European, 0.0072%; no homozygotes.

Submissions (3):

Women's Health and Genetics/Laboratory Corporation of America, LabCorp
Classification: Likely benign. Last evaluated: 2026-05-18. Review status: criteria provided, single submitter. Criteria: LabCorp Variant Classification Summary - May 2015. Collection method: clinical testing. Allele origin: germline.

Labcorp Genetics (formerly Invitae), Labcorp
Classification: Likely benign. Last evaluated: 2025-12-21. Review status: criteria provided, single submitter. Criteria: Invitae Variant Classification Sherloc (09022015). Collection method: clinical testing. Allele origin: germline.

CeGaT Center for Human Genetics Tuebingen
Classification: Likely benign. Last evaluated: 2025-11-01. Review status: criteria provided, single submitter. Criteria: CeGaT Center For Human Genetics Tuebingen Variant Classification Criteria Version 2. Collection method: clinical testing. Allele origin: germline. Affected: yes. Observed: 2 variant alleles.
Comment: MCM3AP: BP4, BP7